The following is an entry in ClinVar:

NM_001211.6(BUB1B):c.3059A>G (p.Asn1020Ser)

Genes: BUB1B (BUB1 mitotic checkpoint serine/threonine kinase B; plus strand), BUB1B-PAK6 (BUB1B-PAK6 readthrough; plus strand). Cytogenetic location: 15q15.1.
Variant type: single nucleotide variant.
Coding change: c.3059A>G on transcript NM_001211.6 (MANE Select); coding-DNA position 3059, A replaced by G.
Protein change: p.Asn1020Ser; replaces asparagine 1020 with serine.
Molecular consequence: missense variant. On other transcripts: intron variant (2).
Genome position (GRCh38, 1-based): chr15:40,220,665, A>G. VCF-style: chr15-40220665-A-G. GRCh37 (hg19) VCF-style: chr15-40512866-A-G.
Other names: c.-201+2998A>G (NM_001128628.3); c.-118+2998A>G (NM_001128629.3); short protein forms N1020S.
Identifiers: ClinVar variation 3687289 (VCV003687289.2).

ClinVar aggregate classification (germline): Uncertain significance (1 of 4 stars; one submission).

Conditions:
Mosaic variegated aneuploidy syndrome 1 (MVA1). Also called: Warburton-Anyane-Yeboa syndrome. Identifiers: Orphanet 1052, MedGen C1850343, MONDO:0009759, OMIM 257300.

gnomAD v4.1: 1 of 1,614,166 alleles (0.000062%); highest among the groups gnomAD compares: Non-Finnish European, 0.000085%; no homozygotes.

Submission:

Labcorp Genetics (formerly Invitae), Labcorp
Classification: Uncertain significance for Mosaic variegated aneuploidy syndrome 1. Last evaluated: 2024-09-09. Review status: criteria provided, single submitter. Criteria: Invitae Variant Classification Sherloc (09022015). Collection method: clinical testing. Allele origin: germline.
Comment: This sequence change replaces asparagine, which is neutral and polar, with serine, which is neutral and polar, at codon 1020 of the BUB1B protein (p.Asn1020Ser). This variant is present in population databases (no rsID available, gnomAD 0.0009%). This variant has not been reported in the literature in individuals affected with BUB1B-related conditions. An algorithm developed to predict the effect of missense changes on protein structure and function outputs the following: PolyPhen-2: "Benign". The serine amino acid residue is found in multiple mammalian species, which suggests that this missense change does not adversely affect protein function. In summary, the available evidence is currently insufficient to determine the role of this variant in disease. Therefore, it has been classified as a Variant of Uncertain Significance.